The following is an entry in ClinVar:

NM_012330.4(KAT6B):c.788G>T (p.Arg263Met)

Gene: KAT6B (lysine acetyltransferase 6B; plus strand). Cytogenetic location: 10q22.2.
Variant type: single nucleotide variant.
Coding change: c.788G>T on transcript NM_012330.4 (MANE Select); coding-DNA position 788, G replaced by T.
Protein change: p.Arg263Met; replaces arginine 263 with methionine.
Molecular consequence: missense variant. On other transcripts: intron variant (2).
Genome position (GRCh38, 1-based): chr10:74,969,717, G>T. VCF-style: chr10-74969717-G-T. GRCh37 (hg19) VCF-style: chr10-76729475-G-T.
Other names: c.788G>T, p.Arg263Met (NM_001256468.2, NM_001256469.2, NM_001370132.1 and 10 more transcripts); c.193-9507G>T (NM_001370134.1); c.192+9639G>T (NM_001370135.1); short protein forms R263M.
Identifiers: ClinVar variation 2744595 (VCV002744595.3), dbSNP rs2548920734, ClinGen allele CA377281752.

ClinVar aggregate classification (germline): Uncertain significance (1 of 4 stars; one submission).

Conditions:
Genitopatellar syndrome (GTPTS). Also called: ABSENT PATELLAE, SCROTAL HYPOPLASIA, RENAL ANOMALIES, FACIAL DYSMORPHISM, AND MENTAL RETARDATION; Genitopatellar syndrome (GPS). Identifiers: Orphanet 85201, MedGen C1853566, MONDO:0011640, OMIM 606170.

Submission:

Labcorp Genetics (formerly Invitae), Labcorp
Classification: Uncertain significance for Genitopatellar syndrome. Last evaluated: 2024-06-03. Review status: criteria provided, single submitter. Criteria: Invitae Variant Classification Sherloc (09022015). Collection method: clinical testing. Allele origin: germline.
Comment: This sequence change replaces arginine, which is basic and polar, with methionine, which is neutral and non-polar, at codon 263 of the KAT6B protein (p.Arg263Met). This variant is not present in population databases (gnomAD no frequency). This variant has not been reported in the literature in individuals affected with KAT6B-related conditions. Advanced modeling of protein sequence and biophysical properties (such as structural, functional, and spatial information, amino acid conservation, physicochemical variation, residue mobility, and thermodynamic stability) performed at Invitae indicates that this missense variant is not expected to disrupt KAT6B protein function with a negative predictive value of 80%. In summary, the available evidence is currently insufficient to determine the role of this variant in disease. Therefore, it has been classified as a Variant of Uncertain Significance.